The following is an entry in ClinVar:

ClinVar aggregate classification (germline): Uncertain significance. Review status: criteria provided, multiple submitters, no conflicts (2 of 4 stars). 3 submissions from 3 submitters: Uncertain significance (2). 1 of the submissions does not count toward it. Last evaluated 2025-10-30.

Conditions:
Intellectual developmental disorder with or without epilepsy or cerebellar ataxia. Identifiers: MedGen C4748041, MONDO:0060745, OMIM 618060.

Allele frequency attached by ClinVar (database versions not stated): TOPMed 0.00002; gnomAD exomes below 0.00001.
gnomAD v4.1: 6 of 1,607,838 alleles (0.00037%); highest among the groups gnomAD compares: Non-Finnish European, 0.00034%; no homozygotes.

Submissions (3):

Victorian Clinical Genetics Services, Murdoch Childrens Research Institute
Classification: Uncertain significance for Intellectual developmental disorder with or without epilepsy or cerebellar ataxia. Last evaluated: 2025-10-30. Review status: criteria provided, single submitter. Criteria: ACMG Guidelines, 2015. Collection method: clinical testing. Allele origin: germline. Affected: yes.
Comment: This variant is classified as VUS-3A. Evidence in support of pathogenic classification: Variant is present in gnomAD <0.001 for a dominant condition (v4: 6 heterozygote(s), 0 homozygote(s)); Additional information: Variant is predicted to result in a missense amino acid change from Arg to Gln; This variant is heterozygous; This gene is associated with autosomal dominant disease; Previous evidence of pathogenicity for this variant is inconclusive. This variant has been classified as a VUS by a clinical laboratory in ClinVar. It has also been reported in the literature as de novo in a child with autism, no ID or seizures, and normal speech (PMID: 29656859, 25363760). - No published evidence of segregation with disease has been identified for this variant; Functional evidence for this variant is inconclusive. Zebrafish studies did not show appreciable morphological defects, and there was no significant change when attempting to rescue reduced cerebellum size with the mutant (PMID: 29656859). - No comparable missense variants have previous evidence for pathogenicity; Variant is located in the annotated ligand-binding domain of nuclear hormone receptor (DECIPHER); Missense variant with inconclusive in silico prediction and/or uninformative conservation; Loss of function is a known mechanism of disease in this gene and is associated with intellectual developmental disorder with or without epilepsy or cerebellar ataxia (MIM#618060); Variants in this gene are known to have variable expressivity. The associated phenotype can very from mild intellectual disability and speech delay or normal speech to severe cognitive impairment and absent speech (PMID: 29656859).

GeneDx
Classification: Uncertain significance. Last evaluated: 2023-11-06. Review status: criteria provided, single submitter. Criteria: GeneDx Variant Classification Process June 2021. Collection method: clinical testing. Allele origin: germline. Affected: yes.
Comment: Published functional studies suggest R462Q acts as a loss of function variant (PMID: 29656859); In silico analysis supports that this missense variant does not alter protein structure/function; This variant is associated with the following publications: (PMID: 28714951, 28191890, 31785789, 29656859)

OMIM
Classification: Pathogenic for INTELLECTUAL DEVELOPMENTAL DISORDER WITHOUT EPILEPSY OR CEREBELLAR ATAXIA. Last evaluated: 2018-07-27. Review status: no assertion criteria provided. Collection method: literature only. Allele origin: germline. Not counted in ClinVar's aggregate classification.

Literature cited by the submitters: PubMed 29656859 (cited by Victorian Clinical Genetics Services, Murdoch Childrens Research Institute and OMIM); PubMed 25363760 (cited by Victorian Clinical Genetics Services, Murdoch Childrens Research Institute).

NM_134261.3(RORA):c.1385G>A (p.Arg462Gln)

Genes: RORA (RAR related orphan receptor A; minus strand), RORA-AS1 (RORA antisense RNA 1; plus strand). Cytogenetic location: 15q22.2.
Variant type: single nucleotide variant.
Coding change: c.1385G>A on transcript NM_134261.3 (MANE Select); coding-DNA position 1385, G replaced by A.
Protein change: p.Arg462Gln; replaces arginine 462 with glutamine.
Molecular consequence: missense variant.
Genome position (GRCh38, 1-based): chr15:60,499,914, C>T on the plus strand (G>A on the coding strand, the complement: RORA is on the minus strand). VCF-style: chr15-60499914-C-T. GRCh37 (hg19) VCF-style: chr15-60792113-C-T.
Other names: c.1460G>A, p.Arg487Gln (NM_002943.4); c.1484G>A, p.Arg495Gln (NM_134260.3); c.1220G>A, p.Arg407Gln (NM_134262.3); short protein forms R462Q, R495Q, R407Q, R487Q.
Identifiers: ClinVar variation 549842 (VCV000549842.4), dbSNP rs1433850094, ClinGen allele CA392667098.
Genomic context (GRCh38, chr15:60,499,914, plus strand): 5'-AGTTCAGGCCATGCCAACTAGAAGCCTTTGGCACTCACCTTTGTTAGTATTCCATCTTCT[C>T]GGTGATTCTTCTGTAGGACGTGTTGAAGAGCTAGCTGAATTTTCTGTTGCAGTTTTTCAA-3'
Protein context (NP_599023.1, residues 452-472): ALQHVLQKNH[Arg462Gln]EDGILTKLIC